The following is an entry in ClinVar:

NM_001007553.3(CSDE1):c.447C>T (p.Asn149=)

Gene: CSDE1 (cold shock domain containing E1; minus strand). Cytogenetic location: 1p13.2.
Variant type: single nucleotide variant.
Coding change: c.447C>T on transcript NM_001007553.3 (MANE Select); coding-DNA position 447, C replaced by T.
Protein change: p.Asn149=; no amino-acid change (asparagine 149 retained).
Molecular consequence: synonymous variant.
Genome position (GRCh38, 1-based): chr1:114,736,811, G>A on the plus strand (C>T on the coding strand, the complement: CSDE1 is on the minus strand). VCF-style: chr1-114736811-G-A. GRCh37 (hg19) VCF-style: chr1-115279432-G-A.
Other names: c.492C>T, p.Asn164= (NM_001130523.3); c.585C>T, p.Asn195= (NM_001242891.2); c.447C>T, p.Asn149= (NM_001242892.2); c.354C>T, p.Asn118= (NM_001242893.2, NM_007158.6).
Identifiers: ClinVar variation 4821559 (VCV004821559.4).

ClinVar aggregate classification (germline): Likely benign (1 of 4 stars; one submission).

gnomAD v4.1: 41 of 1,612,734 alleles (0.0025%); highest among the groups gnomAD compares: South Asian, 0.023%; 1 homozygote.

Submission:

CeGaT Center for Human Genetics Tuebingen
Classification: Likely benign. Last evaluated: 2026-02-01. Review status: criteria provided, single submitter. Criteria: CeGaT Center For Human Genetics Tuebingen Variant Classification Criteria Version 2. Collection method: clinical testing. Allele origin: germline. Affected: yes. Observed: 1 variant allele.
Comment: CSDE1: BP4, BP7